The following is an entry in ClinVar:

ClinVar aggregate classification (germline): Benign/Likely benign. Review status: criteria provided, multiple submitters, no conflicts (2 of 4 stars). 2 submissions from 2 submitters: Benign (1); Likely benign (1). Last evaluated 2025-01-30.

Conditions:
Hereditary nonpolyposis colorectal neoplasms. Identifiers: MedGen C0009405, MeSH D003123.
Lynch syndrome 4 (LYNCH4). Also called: Colorectal cancer, hereditary nonpolyposis, type 4; Hereditary non-polyposis colorectal cancer, type 4. Identifiers: Orphanet 144, MedGen C1838333, MONDO:0013699, OMIM 614337. Disease mechanism: loss of function.

Submissions (2):

Myriad Genetics, Inc.
Classification: Benign for Lynch syndrome 4. Last evaluated: 2025-01-30. Review status: criteria provided, single submitter. Criteria: Myriad Autosomal Dominant, Autosomal Recessive and X-Linked Classification Criteria (2023). Collection method: clinical testing. Allele origin: unknown.
Comment: This variant is considered benign. This variant is a silent/synonymous amino acid change and it is not expected to impact splicing.

Labcorp Genetics (formerly Invitae), Labcorp
Classification: Likely benign for Hereditary nonpolyposis colorectal neoplasms. Last evaluated: 2024-10-30. Review status: criteria provided, single submitter. Criteria: Invitae Variant Classification Sherloc (09022015). Collection method: clinical testing. Allele origin: germline.

NM_000535.7(PMS2):c.1413G>A (p.Gln471=)

Gene: PMS2 (PMS1 homolog 2, mismatch repair system component; minus strand). Cytogenetic location: 7p22.1.
Variant type: single nucleotide variant.
Coding change: c.1413G>A on transcript NM_000535.7 (MANE Select); coding-DNA position 1413, G replaced by A.
Protein change: p.Gln471=; no amino-acid change (glutamine 471 retained).
Molecular consequence: synonymous variant. On other transcripts: non-coding transcript variant (1), intron variant (1).
Genome position (GRCh38, 1-based): chr7:5,987,352, C>T on the plus strand (G>A on the coding strand, the complement: PMS2 is on the minus strand). VCF-style: chr7-5987352-C-T. GRCh37 (hg19) VCF-style: chr7-6026983-C-T.
Other names: c.1215G>A, p.Gln405= (NM_001406873.1); c.1245G>A, p.Gln415= (NM_001406874.1); c.1104G>A, p.Gln368= (NM_001406875.1, NM_001322015.2, NM_001406877.1 and 5 more transcripts); c.1095G>A, p.Gln365= (NM_001406876.1, NM_001322007.2, NM_001322008.2 and 2 more transcripts); c.1008G>A, p.Gln336= (NM_001322003.2, NM_001322004.2, NM_001322005.2 and 16 more transcripts); c.480G>A, p.Gln160= (NM_001322012.2, NM_001322011.2); c.840G>A, p.Gln280= (NM_001322013.2, NM_001406909.1); c.1257G>A, p.Gln419= (NM_001322006.2, NM_001406870.1); and 13 more.
Identifiers: ClinVar variation 3724142 (VCV003724142.3).